The following is an entry in ClinVar:

ClinVar aggregate classification (germline): Uncertain significance (1 of 4 stars; one submission).

Conditions:
Bethlem myopathy 1A. Also called: Bethlem myopathy 1; MYOPATHY, BENIGN CONGENITAL, WITH CONTRACTURES; Bethlem Muscular Dystrophy. Identifiers: Orphanet 610, MedGen CN029274, MONDO:0024530, OMIM 158810.

Submission:

Labcorp Genetics (formerly Invitae), Labcorp
Classification: Uncertain significance for Bethlem myopathy 1A. Last evaluated: 2018-05-12. Review status: criteria provided, single submitter. Criteria: Invitae Variant Classification Sherloc (09022015). Collection method: clinical testing. Allele origin: germline.
Comment: In summary, the available evidence is currently insufficient to determine the role of this variant in disease. Therefore, it has been classified as a Variant of Uncertain Significance. Algorithms developed to predict the effect of missense changes on protein structure and function do not agree on the potential impact of this missense change (SIFT: "Tolerated"; PolyPhen-2: "Probably Damaging"; Align-GVGD: "Class C0"). This variant has not been reported in the literature in individuals with COL6A3-related disease. This variant is not present in population databases (ExAC no frequency). This sequence change replaces phenylalanine with leucine at codon 377 of the COL6A3 protein (p.Phe377Leu). The phenylalanine residue is moderately conserved and there is a small physicochemical difference between phenylalanine and leucine.

NM_004369.4(COL6A3):c.1131C>G (p.Phe377Leu)

Gene: COL6A3 (collagen type VI alpha 3 chain; minus strand). Cytogenetic location: 2q37.3.
Variant type: single nucleotide variant.
Coding change: c.1131C>G on transcript NM_004369.4 (MANE Select); coding-DNA position 1131, C replaced by G.
Protein change: p.Phe377Leu; replaces phenylalanine 377 with leucine.
Molecular consequence: missense variant. On other transcripts: intron variant (2).
Genome position (GRCh38, 1-based): chr2:237,387,763, G>C on the plus strand (C>G on the coding strand, the complement: COL6A3 is on the minus strand). VCF-style: chr2-237387763-G-C. GRCh37 (hg19) VCF-style: chr2-238296406-G-C.
Other names: c.513C>G, p.Phe171Leu (NM_057165.5, NM_057167.4); c.92-6264C>G (NM_057166.5, NM_057164.5); short protein forms F377L, F171L.
Identifiers: ClinVar variation 583036 (VCV000583036.9), dbSNP rs189772397, ClinGen allele CA351221663.